The following is an entry in ClinVar:

ClinVar aggregate classification (germline): Uncertain significance (1 of 4 stars; one submission).

Conditions:
Hereditary cancer-predisposing syndrome. Also called: Tumor predisposition; Neoplastic Syndromes, Hereditary; Hereditary neoplastic syndrome; Hereditary Cancer Syndrome. Identifiers: Orphanet 140162, MedGen C0027672, MeSH D009386, MONDO:0015356.

Submission:

Ambry Genetics
Classification: Uncertain significance for Hereditary cancer-predisposing syndrome. Last evaluated: 2025-08-27. Review status: criteria provided, single submitter. Criteria: Ambry Variant Classification Scheme 2023. Collection method: clinical testing. Allele origin: germline.
Comment: The p.S44G variant (also known as c.130A>G), located in coding exon 2 of the MUTYH gene, results from an A to G substitution at nucleotide position 130. The serine at codon 44 is replaced by glycine, an amino acid with similar properties. This amino acid position is conserved. In addition, this alteration is predicted to be tolerated by in silico analysis. Based on the available evidence, the clinical significance of this variant remains unclear.

NM_001048174.2(MUTYH):c.88A>G (p.Ser30Gly)

Gene: MUTYH (mutY DNA glycosylase; minus strand). Cytogenetic location: 1p34.1.
Variant type: single nucleotide variant.
Coding change: c.88A>G on transcript NM_001048174.2 (MANE Select); coding-DNA position 88, A replaced by G.
Protein change: p.Ser30Gly; replaces serine 30 with glycine.
Molecular consequence: missense variant. On other transcripts: 5 prime UTR variant (7), non-coding transcript variant (7).
Genome position (GRCh38, 1-based): chr1:45,334,418, T>C on the plus strand (A>G on the coding strand, the complement: MUTYH is on the minus strand). VCF-style: chr1-45334418-T-C. GRCh37 (hg19) VCF-style: chr1-45800090-T-C.
Other names: c.88A>G, p.Ser30Gly (NM_001407072.1, NM_001407077.1, NM_001407078.1 and 15 more transcripts); c.130A>G, p.Ser44Gly (NM_001407073.1, NM_012222.3, NM_001128425.2 and 2 more transcripts); c.-69A>G (NM_001407075.1); c.-120A>G (NM_001407082.1, NM_001350651.2); c.106A>G, p.Ser36Gly (NM_001407087.1); c.-125A>G (NM_001407091.1, NM_001293192.2, NM_001293196.2); c.-184A>G (NM_001350650.2); short protein forms S30G, S44G, S36G.
Identifiers: ClinVar variation 4113171 (VCV004113171.1).